The following is an entry in ClinVar:

ClinVar aggregate classification (germline): Uncertain significance (1 of 4 stars; one submission).

Conditions:
Dihydropteridine reductase deficiency (HPABH4C). Also called: DHPR DEFICIENCY; BH4-Deficient Hyperphenylalaninemia C; Hyperphenylalaninemia due to dihydropteridine reductase deficiency; Hyperphenylalaninemia, BH-4-deficient, C; Phenylketonuria type 2; HYPERPHENYLALANINEMIA, TETRAHYDROBIOPTERIN-DEFICIENT, DUE TO DHPR DEFICIENCY. Identifiers: Orphanet 226, Orphanet 238583, MedGen C0268465, MONDO:0009862, OMIM 261630.

gnomAD v4.1: 23 of 1,614,118 alleles (0.0014%); highest among the groups gnomAD compares: Non-Finnish European, 0.0015%; no homozygotes.

Submission:

Labcorp Genetics (formerly Invitae), Labcorp
Classification: Uncertain significance for Dihydropteridine reductase deficiency. Last evaluated: 2022-06-13. Review status: criteria provided, single submitter. Criteria: Invitae Variant Classification Sherloc (09022015). Collection method: clinical testing. Allele origin: germline.
Comment: This sequence change replaces alanine, which is neutral and non-polar, with proline, which is neutral and non-polar, at codon 139 of the QDPR protein (p.Ala139Pro). This variant is present in population databases (rs779606633, gnomAD 0.002%). This variant has not been reported in the literature in individuals affected with QDPR-related conditions. Algorithms developed to predict the effect of missense changes on protein structure and function are either unavailable or do not agree on the potential impact of this missense change (SIFT: "Tolerated"; PolyPhen-2: "Probably Damaging"; Align-GVGD: "Class C0"). In summary, the available evidence is currently insufficient to determine the role of this variant in disease. Therefore, it has been classified as a Variant of Uncertain Significance.

NM_000320.3(QDPR):c.415G>C (p.Ala139Pro)

Gene: QDPR (quinoid dihydropteridine reductase; minus strand). Cytogenetic location: 4p15.32.
Variant type: single nucleotide variant.
Coding change: c.415G>C on transcript NM_000320.3 (MANE Select); coding-DNA position 415, G replaced by C.
Protein change: p.Ala139Pro; replaces alanine 139 with proline.
Molecular consequence: missense variant. On other transcripts: non-coding transcript variant (1).
Genome position (GRCh38, 1-based): chr4:17,501,740, C>G on the plus strand (G>C on the coding strand, the complement: QDPR is on the minus strand). VCF-style: chr4-17501740-C-G. GRCh37 (hg19) VCF-style: chr4-17503363-C-G.
Other names: c.322G>C, p.Ala108Pro (NM_001306140.2); short protein forms A108P, A139P.
Identifiers: ClinVar variation 1477111 (VCV001477111.3), dbSNP rs779606633, ClinGen allele CA2868124.